The following is an entry in ClinVar:

NM_007325.5(GRIA3):c.253T>C (p.Ser85Pro)

Gene: GRIA3 (glutamate ionotropic receptor AMPA type subunit 3; plus strand). Cytogenetic location: Xq25.
Variant type: single nucleotide variant.
Coding change: c.253T>C on transcript NM_007325.5 (MANE Select); coding-DNA position 253, T replaced by C.
Protein change: p.Ser85Pro; replaces serine 85 with proline.
Molecular consequence: missense variant.
Genome position (GRCh38, 1-based): chrX:123,185,975, T>C. VCF-style: chrX-123185975-T-C. GRCh37 (hg19) VCF-style: chrX-122319827-T-C.
Other names: c.253T>C, p.Ser85Pro (NM_000828.5, NM_001256743.2); short protein forms S85P.
Identifiers: ClinVar variation 2704718 (VCV002704718.3), dbSNP rs2520430494, ClinGen allele CA414255397.

ClinVar aggregate classification (germline): Uncertain significance (1 of 4 stars; one submission).

Submission:

Labcorp Genetics (formerly Invitae), Labcorp
Classification: Uncertain significance. Last evaluated: 2023-12-21. Review status: criteria provided, single submitter. Criteria: Invitae Variant Classification Sherloc (09022015). Collection method: clinical testing. Allele origin: germline.
Comment: This sequence change replaces serine, which is neutral and polar, with proline, which is neutral and non-polar, at codon 85 of the GRIA3 protein (p.Ser85Pro). This variant is not present in population databases (gnomAD no frequency). This variant has not been reported in the literature in individuals affected with GRIA3-related conditions. Advanced modeling of protein sequence and biophysical properties (such as structural, functional, and spatial information, amino acid conservation, physicochemical variation, residue mobility, and thermodynamic stability) performed at Invitae indicates that this missense variant is not expected to disrupt GRIA3 protein function with a negative predictive value of 80%. In summary, the available evidence is currently insufficient to determine the role of this variant in disease. Therefore, it has been classified as a Variant of Uncertain Significance.